The following is an entry in ClinVar:

ClinVar aggregate classification (germline): Uncertain significance. Review status: criteria provided, multiple submitters, no conflicts (2 of 4 stars). 3 submissions from 3 submitters: Uncertain significance (3). Last evaluated 2025-01-23.

Conditions:
Hereditary cancer-predisposing syndrome. Also called: Hereditary Cancer Syndrome; Hereditary neoplastic syndrome; Neoplastic Syndromes, Hereditary; Tumor predisposition. Identifiers: Orphanet 140162, MedGen C0027672, MeSH D009386, MONDO:0015356.
Familial adenomatous polyposis 4 (FAP4). Also called: MSH3-related attenuated familial adenomatous polyposis. Identifiers: Orphanet 480536, MedGen C4310719, MONDO:0044300, OMIM 617100.

Allele frequency attached by ClinVar (database versions not stated): gnomAD exomes below 0.00001; gnomAD 0.00001.
gnomAD v4.1: 4 of 1,612,298 alleles (0.00025%); highest among the groups gnomAD compares: South Asian, 0.0011%; no homozygotes.

Submissions (3):

Labcorp Genetics (formerly Invitae), Labcorp
Classification: Uncertain significance. Last evaluated: 2025-01-23. Review status: criteria provided, single submitter. Criteria: Invitae Variant Classification Sherloc (09022015). Collection method: clinical testing. Allele origin: germline.
Comment: This sequence change replaces methionine, which is neutral and non-polar, with valine, which is neutral and non-polar, at codon 554 of the MSH3 protein (p.Met554Val). This variant is present in population databases (no rsID available, gnomAD no frequency). This variant has not been reported in the literature in individuals affected with MSH3-related conditions. ClinVar contains an entry for this variant (Variation ID: 1063282). An algorithm developed to predict the effect of missense changes on protein structure and function (PolyPhen-2) suggests that this variant is likely to be tolerated. In summary, the available evidence is currently insufficient to determine the role of this variant in disease. Therefore, it has been classified as a Variant of Uncertain Significance.

Department of Pathology and Laboratory Medicine, Sinai Health System
Classification: Uncertain significance for Familial adenomatous polyposis 4. Last evaluated: 2023-09-25. Review status: criteria provided, single submitter. Criteria: ACMG Guidelines, 2015. Collection method: clinical testing. Allele origin: germline. Affected: yes.

Ambry Genetics
Classification: Uncertain significance for Hereditary cancer-predisposing syndrome. Last evaluated: 2023-03-30. Review status: criteria provided, single submitter. Criteria: Ambry Variant Classification Scheme 2023. Collection method: clinical testing. Allele origin: germline.
Comment: The p.M554V variant (also known as c.1660A>G), located in coding exon 12 of the MSH3 gene, results from an A to G substitution at nucleotide position 1660. The methionine at codon 554 is replaced by valine, an amino acid with highly similar properties. This amino acid position is conserved. In addition, this alteration is predicted to be tolerated by in silico analysis. Since supporting evidence is limited at this time, the clinical significance of this alteration remains unclear.

NM_002439.5(MSH3):c.1660A>G (p.Met554Val)

Gene: MSH3 (mutS homolog 3; plus strand). Cytogenetic location: 5q14.1.
Variant type: single nucleotide variant.
Coding change: c.1660A>G on transcript NM_002439.5 (MANE Select); coding-DNA position 1660, A replaced by G.
Protein change: p.Met554Val; replaces methionine 554 with valine.
Molecular consequence: missense variant.
Genome position (GRCh38, 1-based): chr5:80,744,512, A>G. VCF-style: chr5-80744512-A-G. GRCh37 (hg19) VCF-style: chr5-80040331-A-G.
Other names: c.1660A>G (NM_002439.3, NM_002439.4); short protein forms M554V.
Identifiers: ClinVar variation 1063282 (VCV001063282.10), dbSNP rs1249728982, ClinGen allele CA360274629.
Genomic context (GRCh38, chr5:80,744,512, plus strand): 5'-ATTTGGCACAAATAATTGTCTAGTTAATAAAACTTGTTTTCTGGTCTTTCTTAGACTGAT[A>G]TGAAAACCAAAGGAAGTTTGCTGTGGGTTTTAGACCACACTAAAACTTCATTTGGGAGAC-3'
Protein context (NP_002430.3, residues 544-564): NLEILQNQTD[Met554Val]KTKGSLLWVL